The following is an entry in ClinVar:

NM_000051.4(ATM):c.695_699del (p.Ile232fs)

Gene: ATM (ATM serine/threonine kinase; plus strand). Cytogenetic location: 11q22.3.
Variant type: Deletion.
Coding change: c.695_699del on transcript NM_000051.4 (MANE Select); coding-DNA positions 695 to 699, 5 bases deleted (TCTTA; older notation c.695_699delTCTTA).
Protein change: p.Ile232fs; shifts the reading frame from isoleucine 232.
Molecular consequence: frameshift variant.
Genome position (GRCh38, 1-based): chr11:108,244,820-108,244,824, TCTTA deleted; deleting any 5 consecutive bases within chr11:108,244,818-108,244,824 gives the same sequence; the c. name uses the placement nearest the transcript's 3' end. VCF-style (leftmost placement, unchanged base first): chr11-108244817-ATATCT-A. GRCh37 (hg19) VCF-style: chr11-108115544-ATATCT-A.
Other names: c.695_699del, p.Ile232fs (NM_001351834.2); short protein forms I232fs.
Identifiers: ClinVar variation 1756292 (VCV001756292.2), dbSNP rs1565371153, ClinGen allele CA602127476.

ClinVar aggregate classification (germline): Pathogenic (1 of 4 stars; one submission).

Conditions:
Hereditary cancer-predisposing syndrome. Also called: Neoplastic Syndromes, Hereditary; Tumor predisposition; Hereditary Cancer Syndrome; Hereditary neoplastic syndrome. Identifiers: Orphanet 140162, MedGen C0027672, MeSH D009386, MONDO:0015356.

Submission:

Ambry Genetics
Classification: Pathogenic for Hereditary cancer-predisposing syndrome. Last evaluated: 2022-10-04. Review status: criteria provided, single submitter. Criteria: Ambry Variant Classification Scheme 2023. Collection method: clinical testing. Allele origin: germline.
Comment: The c.695_699delTCTTA pathogenic mutation, located in coding exon 6 of the ATM gene, results from a deletion of 5 nucleotides at nucleotide positions 695 to 699, causing a translational frameshift with a predicted alternate stop codon (p.I232Sfs*20). This alteration is expected to result in loss of function by premature protein truncation or nonsense-mediated mRNA decay. As such, this alteration is interpreted as a disease-causing mutation.